The following is an entry in ClinVar:

ClinVar aggregate classification (germline): Pathogenic (3 of 4 stars; one submission).

Conditions:
Breast-ovarian cancer, familial, susceptibility to, 2 (BROVCA2). Also called: BRCA2 Hereditary Breast and Ovarian Cancer. Identifiers: Orphanet 145, MedGen C2675520, MONDO:0012933, OMIM 612555. Disease mechanism: loss of function.

Submission:

Evidence-based Network for the Interpretation of Germline Mutant Alleles (ENIGMA)
Classification: Pathogenic for Breast-ovarian cancer, familial, susceptibility to, 2. Last evaluated: 2016-09-08. Review status: reviewed by expert panel. Criteria: ENIGMA BRCA1/2 Classification Criteria (2015). Collection method: curation. Allele origin: germline.
Comment: Variant allele predicted to encode a truncated non-functional protein.

NM_000059.4(BRCA2):c.7485del (p.Lys2496fs)

Gene: BRCA2 (BRCA2 DNA repair associated; plus strand). Cytogenetic location: 13q13.1.
Variant type: Deletion.
Coding change: c.7485del on transcript NM_000059.4 (MANE Select); coding-DNA position 7485, one base deleted (T; older notation c.7485delT).
Protein change: p.Lys2496fs; shifts the reading frame from lysine 2496.
Molecular consequence: frameshift variant.
Genome position (GRCh38, 1-based): chr13:32,356,477, T deleted; the last of 2 consecutive T bases (chr13:32,356,476-32,356,477); deleting either gives the same sequence. VCF-style (leftmost placement, unchanged base first): chr13-32356475-AT-A. GRCh37 (hg19) VCF-style: chr13-32930612-AT-A.
Other names: c.7485delT (NM_000059.3); short protein forms K2496fs.
Identifiers: ClinVar variation 254607 (VCV000254607.2), dbSNP rs886038171, ClinGen allele CA10586577.